The following is an entry in ClinVar:

NM_152743.4(BRAT1):c.2199C>T (p.Tyr733=)

Gene: BRAT1 (BRCA1 associated ATM activator 1; minus strand). Cytogenetic location: 7p22.3.
Variant type: single nucleotide variant.
Coding change: c.2199C>T on transcript NM_152743.4 (MANE Select); coding-DNA position 2199, C replaced by T.
Protein change: p.Tyr733=; no amino-acid change (tyrosine 733 retained).
Molecular consequence: synonymous variant. On other transcripts: non-coding transcript variant (1).
Genome position (GRCh38, 1-based): chr7:2,538,336, G>A on the plus strand (C>T on the coding strand, the complement: BRAT1 is on the minus strand). VCF-style: chr7-2538336-G-A. GRCh37 (hg19) VCF-style: chr7-2577970-G-A.
Other names: c.2379C>T, p.Tyr793= (NM_001350626.2); c.1674C>T, p.Tyr558= (NM_001350627.2); c.2199C>T (NM_152743.3).
Identifiers: ClinVar variation 1150195 (VCV001150195.12), dbSNP rs139111440, ClinGen allele CA4127433.
Genomic context (GRCh38, chr7:2,538,336, plus strand): 5'-CGGCAGGGTGGCCTCTGCGGAGGCAGTGTTGGGGCTGCCCCTGGCCTCCCGCAGGCTGCT[G>A]TAGGAAGCAATCTTGTCCCTCAGGAAGAGAAGGAGGTCACAAGACTTCTGCGCCACAGGG-3'
Protein context (NP_689956.2, residues 723-743): LLFLRDKIAS[Tyr733=]SSLREARGSP

ClinVar aggregate classification (germline): Likely benign. Review status: criteria provided, multiple submitters, no conflicts (2 of 4 stars). 4 submissions from 4 submitters: Likely benign (4). Last evaluated 2025-02-21.

Conditions:
BRAT1-related disorder. Also called: BRAT1-related disorders; BRAT1-related condition.
Neonatal-onset encephalopathy with rigidity and seizures. Also called: Lethal neonatal spasticity-epileptic encephalopathy syndrome. Identifiers: Orphanet 435845, MedGen C3281029, MONDO:0013784, OMIM 614498.

Allele frequency attached by ClinVar (database versions not stated): gnomAD exomes 0.00003; ExAC 0.00004; ESP Exome Variant Server 0.00008.
gnomAD v4.1: 53 of 1,613,068 alleles (0.0033%); highest among the groups gnomAD compares: Middle Eastern, 0.099%; no homozygotes.

Submissions (4):

PreventionGenetics, part of Exact Sciences
Classification: Likely benign for BRAT1-related condition. Last evaluated: 2025-02-21. Review status: criteria provided, single submitter. Criteria: ACMG Guidelines, 2015. Collection method: clinical testing. Allele origin: germline.
Comment: This variant is classified as likely benign based on ACMG/AMP sequence variant interpretation guidelines (Richards et al. 2015 PMID: 25741868, with internal and published modifications).

Labcorp Genetics (formerly Invitae), Labcorp
Classification: Likely benign for Neonatal-onset encephalopathy with rigidity and seizures. Last evaluated: 2024-10-22. Review status: criteria provided, single submitter. Criteria: Invitae Variant Classification Sherloc (09022015). Collection method: clinical testing. Allele origin: germline.

Blueprint Genetics
Classification: Likely benign. Last evaluated: 2023-07-13. Review status: criteria provided, single submitter. Criteria: ACMG Guidelines, 2015. Collection method: clinical testing. Allele origin: germline.

Breakthrough Genomics
Classification: Likely benign. Review status: criteria provided, single submitter. Criteria: ACMG Guidelines, 2015. Collection method: not provided. Allele origin: germline. Inheritance: Autosomal recessive inheritance. Affected: yes.